The following is an entry in ClinVar:

NM_000553.6(WRN):c.2242C>T (p.Gln748Ter)

Gene: WRN (WRN RecQ like helicase; plus strand). Cytogenetic location: 8p12.
Variant type: single nucleotide variant.
Coding change: c.2242C>T on transcript NM_000553.6 (MANE Select); coding-DNA position 2242, C replaced by T.
Protein change: p.Gln748Ter; replaces glutamine 748 with a stop codon.
Molecular consequence: nonsense.
Genome position (GRCh38, 1-based): chr8:31,111,768, C>T. VCF-style: chr8-31111768-C-T. GRCh37 (hg19) VCF-style: chr8-30969284-C-T.
Other names: short protein forms Q748*.
Identifiers: ClinVar variation 835212 (VCV000835212.7), dbSNP rs1801328287, ClinGen allele CA370912871.

ClinVar aggregate classification (germline): Pathogenic. Review status: criteria provided, multiple submitters, no conflicts (2 of 4 stars). 2 submissions from 2 submitters: Pathogenic (2). Last evaluated 2025-12-09.

Conditions:
Werner syndrome (WRN). Identifiers: Orphanet 902, MedGen C0043119, MONDO:0010196, OMIM 277700.

Submissions (2):

Dasa
Classification: Pathogenic. Last evaluated: 2025-12-09. Review status: criteria provided, single submitter. Criteria: DASA Assertion Criteria. Collection method: clinical testing. Allele origin: germline.
Comment: NM_000553.6(WRN):c.2242C>T (p.Gln748Ter) introduces a premature termination codon predicted to result in loss of normal protein function. Loss-of-function is an established mechanism of disease for this gene. This variant has been observed in affected individuals with related phenotype in a genotype context consistent with recessive disease (PMID: 30206203; PMID: 23849162). This variant has been recurrently observed in individuals with related phenotype (PMID: 30206203; PMID: 23849162). The variant is present at low frequency in population datasets. Based on the available data, this variant is classified as pathogenic.

Labcorp Genetics (formerly Invitae), Labcorp
Classification: Pathogenic for Werner syndrome. Last evaluated: 2025-01-07. Review status: criteria provided, single submitter. Criteria: Invitae Variant Classification Sherloc (09022015). Collection method: clinical testing. Allele origin: germline.
Comment: This sequence change creates a premature translational stop signal (p.Gln748*) in the WRN gene. It is expected to result in an absent or disrupted protein product. Loss-of-function variants in WRN are known to be pathogenic (PMID: 16673358). This variant is not present in population databases (gnomAD no frequency). This premature translational stop signal has been observed in individual(s) with Werner syndrome (PMID: 16673358, 23849162). ClinVar contains an entry for this variant (Variation ID: 835212). For these reasons, this variant has been classified as Pathogenic.

Literature cited by the submitters: PubMed 30206203 (cited by Dasa); PubMed 23849162 (cited by Dasa and Labcorp Genetics (formerly Invitae), Labcorp); PubMed 16673358 (cited by Labcorp Genetics (formerly Invitae), Labcorp).